The following is an entry in ClinVar:

ClinVar aggregate classification (germline): Likely benign (0 of 4 stars; one submission).

Conditions:
HOXA13-related disorder. Also called: HOXA13-related condition.

Submission:

PreventionGenetics, part of Exact Sciences
Classification: Likely benign for HOXA13-related condition. Last evaluated: 2022-12-12. Review status: no assertion criteria provided. Collection method: clinical testing. Allele origin: germline.
Comment: This variant is classified as likely benign based on ACMG/AMP sequence variant interpretation guidelines (Richards et al. 2015 PMID: 25741868, with internal and published modifications).

NM_000522.5(HOXA13):c.384C>G (p.Ala128=)

Genes: HOXA13 (homeobox A13; minus strand), LOC107126288 (NUP98-HOXA13 recombination region; plus strand). Cytogenetic location: 7p15.2.
Variant type: single nucleotide variant.
Coding change: c.384C>G on transcript NM_000522.5 (MANE Select); coding-DNA position 384, C replaced by G.
Protein change: p.Ala128=; no amino-acid change (alanine 128 retained).
Molecular consequence: synonymous variant.
Genome position (GRCh38, 1-based): chr7:27,199,694, G>C on the plus strand (C>G on the coding strand, the complement: HOXA13 is on the minus strand). VCF-style: chr7-27199694-G-C. GRCh37 (hg19) VCF-style: chr7-27239313-G-C.
Identifiers: ClinVar variation 3036424 (VCV003036424.2), dbSNP rs1415196891, ClinGen allele CA454513868.